The following is an entry in ClinVar:

ClinVar aggregate classification (germline): Likely pathogenic (1 of 4 stars; one submission).

Conditions:
Hereditary breast ovarian cancer syndrome. Also called: Hereditary breast and ovarian cancer; Breast and ovarian cancer; BRCA1- and BRCA2-Associated Hereditary Breast and Ovarian Cancer; Hereditary breast and/or ovarian cancer syndrome; Hereditary breast and ovarian cancer syndrome; Hereditary breast and ovarian cancer syndrome (HBOC). Identifiers: Orphanet 145, MedGen C0677776, MeSH D061325, MONDO:0003582. Disease mechanism: loss of function.

Submission:

Labcorp Genetics (formerly Invitae), Labcorp
Classification: Likely pathogenic for Hereditary breast ovarian cancer syndrome. Last evaluated: 2021-06-08. Review status: criteria provided, single submitter. Criteria: Invitae Variant Classification Sherloc (09022015). Collection method: clinical testing. Allele origin: germline.
Comment: In summary, the currently available evidence indicates that the variant is pathogenic, but additional data are needed to prove that conclusively. Therefore, this variant has been classified as Likely Pathogenic. This variant disrupts the p.His2623 amino acid residue in BRCA2. Other variant(s) that disrupt this residue have been determined to be pathogenic (PMID: 26023681, 31409081, 29394989, 32444794, 33609447, Invitae). This suggests that this residue is clinically significant, and that variants that disrupt this residue are likely to be disease-causing. A similar copy number variant has been observed in individual(s) with breast cancer (PMID: 30630528). This variant is a gross deletion of the genomic region encompassing exon(s) 17 of the BRCA2 gene. This variant would be expected to be in-frame, preserving the integrity of the reading frame.

Literature cited by the submitters: PubMed 26023681; PubMed 31409081; PubMed 29394989; PubMed 32444794; PubMed 33609447; PubMed 30630528.

NC_000013.10:g.(?_32936534)_(32936850_?)del

Gene: BRCA2 (BRCA2 DNA repair associated; plus strand). Cytogenetic location: 13q13.1.
Variant type: Deletion.
Identifiers: ClinVar variation 1502442 (VCV001502442.8).